The following is an entry in ClinVar:

ClinVar aggregate classification (germline): Uncertain significance. Review status: criteria provided, multiple submitters, no conflicts (2 of 4 stars). 2 submissions from 2 submitters: Uncertain significance (2). Last evaluated 2022-11-22.

Conditions:
Hereditary cancer-predisposing syndrome. Also called: Neoplastic Syndromes, Hereditary; Tumor predisposition; Hereditary Cancer Syndrome; Hereditary neoplastic syndrome. Identifiers: Orphanet 140162, MedGen C0027672, MeSH D009386, MONDO:0015356.

Submissions (2):

Ambry Genetics
Classification: Uncertain significance for Hereditary cancer-predisposing syndrome. Last evaluated: 2022-11-22. Review status: criteria provided, single submitter. Criteria: Ambry Variant Classification Scheme 2023. Collection method: clinical testing. Allele origin: germline.
Comment: The p.K660R variant (also known as c.1979A>G), located in coding exon 4 of the MSH6 gene, results from an A to G substitution at nucleotide position 1979. The lysine at codon 660 is replaced by arginine, an amino acid with highly similar properties. This amino acid position is well conserved in available vertebrate species. In addition, this alteration is predicted to be tolerated by in silico analysis. Since supporting evidence is limited at this time, the clinical significance of this alteration remains unclear.

Color Diagnostics, LLC DBA Color Health
Classification: Uncertain significance for Hereditary cancer-predisposing syndrome. Last evaluated: 2018-11-09. Review status: criteria provided, single submitter. Criteria: ACMG Guidelines, 2015. Collection method: clinical testing. Allele origin: germline.

NM_000179.3(MSH6):c.1979A>G (p.Lys660Arg)

Gene: MSH6 (mutS homolog 6; plus strand). Cytogenetic location: 2p16.3.
Variant type: single nucleotide variant.
Coding change: c.1979A>G on transcript NM_000179.3 (MANE Select); coding-DNA position 1979, A replaced by G.
Protein change: p.Lys660Arg; replaces lysine 660 with arginine.
Molecular consequence: missense variant.
Genome position (GRCh38, 1-based): chr2:47,799,962, A>G. VCF-style: chr2-47799962-A-G. GRCh37 (hg19) VCF-style: chr2-48027101-A-G.
Other names: c.1073A>G, p.Lys358Arg (NM_001281494.2, NM_001281493.2); c.1589A>G, p.Lys530Arg (NM_001281492.2); short protein forms K660R, K358R, K530R.
Identifiers: ClinVar variation 921312 (VCV000921312.4), dbSNP rs1669403194, ClinGen allele CA346750621.